The following is an entry in ClinVar:

NM_001079668.3(NKX2-1):c.656C>G (p.Pro219Arg)

Genes: NKX2-1 (NK2 homeobox 1; minus strand), SFTA3 (surfactant associated 3; minus strand). Cytogenetic location: 14q13.3.
Variant type: single nucleotide variant.
Coding change: c.656C>G on transcript NM_001079668.3 (MANE Select); coding-DNA position 656, C replaced by G.
Protein change: p.Pro219Arg; replaces proline 219 with arginine.
Molecular consequence: missense variant.
Genome position (GRCh38, 1-based): chr14:36,517,828, G>C on the plus strand (C>G on the coding strand, the complement: NKX2-1 is on the minus strand). VCF-style: chr14-36517828-G-C. GRCh37 (hg19) VCF-style: chr14-36987033-G-C.
Other names: c.566C>G, p.Pro189Arg (NM_003317.4); short protein forms P189R, P219R.
Identifiers: ClinVar variation 4056337 (VCV004056337.1).

ClinVar aggregate classification (germline): Uncertain significance (1 of 4 stars; one submission).

Conditions:
Brain-lung-thyroid syndrome. Also called: CHOREOATHETOSIS AND CONGENITAL HYPOTHYROIDISM WITH PULMONARY DYSFUNCTION; Choreoathetosis, Congenital Hypothyroidism, and Neonatal Respiratory Distress Syndrome (Brain-Lung-Thyroid Syndrome); Choreoathetosis, congenital hypothyroidism, and neonatal respiratory distress. Identifiers: Orphanet 209905, MedGen C1970269, MONDO:0012593, OMIM 610978.

Submission:

Institute of Human Genetics, University of Leipzig Medical Center
Classification: Uncertain significance for Brain-lung-thyroid syndrome. Last evaluated: 2025-06-02. Review status: criteria provided, single submitter. Criteria: ACMG Guidelines, 2015. Collection method: clinical testing. Allele origin: unknown. Inheritance: Autosomal dominant inheritance. Affected: yes.
Comment: Criteria applied: PM1,PM2,PP3